The following is an entry in ClinVar:

NM_000038.6(APC):c.422+3192G>T

Gene: APC (APC regulator of WNT signaling pathway; plus strand). Cytogenetic location: 5q22.2.
Variant type: single nucleotide variant.
Coding change: c.422+3192G>T on transcript NM_000038.6 (MANE Select); 3192 bases into the intron after coding-DNA position 422, G replaced by T.
Molecular consequence: intron variant.
Genome position (GRCh38, 1-based): chr5:112,770,582, G>T. VCF-style: chr5-112770582-G-T. GRCh37 (hg19) VCF-style: chr5-112106279-G-T.
Other names: c.422+3192G>T (NM_001354895.2, NM_001127510.3, NM_001354896.2 and 2 more transcripts); c.452+3192G>T (NM_001354897.2, NM_001354902.2, NM_001127511.3); c.347+3192G>T (NM_001354898.2, NM_001354904.2); c.-614+3192G>T (NM_001354906.2); c.245+3192G>T (NM_001354900.2, NM_001354901.2, NM_001354905.2).
Identifiers: ClinVar variation 82414 (VCV000082414.2), dbSNP rs76617755, ClinGen allele CA009075.

ClinVar aggregate classification (germline): other (0 of 4 stars; one submission).

Conditions:
Familial colorectal cancer. Identifiers: MedGen CN280943, MONDO:0023113. Disease mechanism: loss of function.

Submission:

Systems Biology Platform Zhejiang California International NanoSystems Institute
Classification: other for Familial colorectal cancer. Review status: no assertion criteria provided. Collection method: not provided. Allele origin: unknown.
ClinVar note: Converted during submission from cancer to other.